The following is an entry in ClinVar:

ClinVar aggregate classification (germline): Uncertain significance. Review status: criteria provided, multiple submitters, no conflicts (2 of 4 stars). 3 submissions from 3 submitters: Uncertain significance (3). Last evaluated 2025-08-15.

Conditions:
KIDINS220-related disorder. Also called: KIDINS220-related condition.

Allele frequency attached by ClinVar (database versions not stated): gnomAD 0.00001; TOPMed 0.00001.
gnomAD v4.1: 4 of 1,610,186 alleles (0.00025%); highest among the groups gnomAD compares: Non-Finnish European, 0.00034%; no homozygotes.

Submissions (3):

PreventionGenetics, part of Exact Sciences
Classification: Uncertain significance for KIDINS220-related condition. Last evaluated: 2025-08-15. Review status: criteria provided, single submitter. Criteria: ACMG Guidelines, 2015. Collection method: clinical testing. Allele origin: germline.
Comment: The KIDINS220 c.61C>G variant is predicted to result in the amino acid substitution p.Leu21Val. To our knowledge, this variant has not been reported in the literature or in a large population database (gnomAD), indicating that it is rare. At this time, the clinical significance of this variant is uncertain due to the absence of conclusive functional and genetic evidence.

Labcorp Genetics (formerly Invitae), Labcorp
Classification: Uncertain significance. Last evaluated: 2023-06-16. Review status: criteria provided, single submitter. Criteria: Invitae Variant Classification Sherloc (09022015). Collection method: clinical testing. Allele origin: germline.
Comment: This variant is not present in population databases (gnomAD no frequency). This variant has not been reported in the literature in individuals affected with KIDINS220-related conditions. An algorithm developed to predict the effect of missense changes on protein structure and function (PolyPhen-2) suggests that this variant is likely to be tolerated. In summary, the available evidence is currently insufficient to determine the role of this variant in disease. Therefore, it has been classified as a Variant of Uncertain Significance. This sequence change replaces leucine, which is neutral and non-polar, with valine, which is neutral and non-polar, at codon 21 of the KIDINS220 protein (p.Leu21Val).

Blueprint Genetics
Classification: Uncertain significance. Last evaluated: 2022-10-27. Review status: criteria provided, single submitter. Criteria: ACMG Guidelines, 2015. Collection method: clinical testing. Allele origin: germline.

NM_020738.4(KIDINS220):c.61C>G (p.Leu21Val)

Gene: KIDINS220 (kinase D interacting substrate 220; minus strand). Cytogenetic location: 2p25.1.
Variant type: single nucleotide variant.
Coding change: c.61C>G on transcript NM_020738.4 (MANE Select); coding-DNA position 61, C replaced by G.
Protein change: p.Leu21Val; replaces leucine 21 with valine.
Molecular consequence: missense variant. On other transcripts: 5 prime UTR variant (1), non-coding transcript variant (2).
Genome position (GRCh38, 1-based): chr2:8,827,033, G>C on the plus strand (C>G on the coding strand, the complement: KIDINS220 is on the minus strand). VCF-style: chr2-8827033-G-C. GRCh37 (hg19) VCF-style: chr2-8967163-G-C.
Other names: c.61C>G (NM_020738.2); c.61C>G, p.Leu21Val (NM_001348729.2, NM_001348731.2, NM_001348732.2 and 9 more transcripts); c.-237C>G (NM_001348736.2); short protein forms L21V.
Identifiers: ClinVar variation 2997623 (VCV002997623.5), dbSNP rs754604203, ClinGen allele CA1520553.